The following is an entry in ClinVar:

NM_000138.5(FBN1):c.4337-12C>T

Gene: FBN1 (fibrillin 1; minus strand). Cytogenetic location: 15q21.1.
Variant type: single nucleotide variant.
Coding change: c.4337-12C>T on transcript NM_000138.5 (MANE Select); 12 bases into the intron before coding-DNA position 4337, C replaced by T.
Molecular consequence: intron variant.
Genome position (GRCh38, 1-based): chr15:48,470,768, G>A on the plus strand (C>T on the coding strand, the complement: FBN1 is on the minus strand). VCF-style: chr15-48470768-G-A. GRCh37 (hg19) VCF-style: chr15-48762965-G-A.
Identifiers: ClinVar variation 629409 (VCV000629409.12), dbSNP rs573468967, ClinGen allele CA052575.

ClinVar aggregate classification (germline): Likely benign. Review status: criteria provided, multiple submitters, no conflicts (2 of 4 stars). 4 submissions from 4 submitters: Likely benign (4). Last evaluated 2025-12-11.

Conditions:
Familial thoracic aortic aneurysm and aortic dissection (TAAD). Also called: Thoracic aortic aneurysms and dissections. Identifiers: Orphanet 91387, MedGen C4707243, MONDO:0019625.
Marfan syndrome (MFS). Also called: FBN1-Related Marfan Syndrome; Marfan syndrome type 1; Marfan's syndrome; Marfan syndrome, classic; MARFAN SYNDROME, TYPE I. Identifiers: Orphanet 284963, Orphanet 558, MedGen C0024796, MONDO:0007947, OMIM 154700.

Allele frequency attached by ClinVar (database versions not stated): gnomAD exomes 0.00003; ExAC 0.00006; 1000 Genomes Project 30x 0.00047; gnomAD 0.00003 and below 0.00001; 1000 Genomes Project 0.00060.
gnomAD v4.1: 26 of 1,613,242 alleles (0.0016%); highest among the groups gnomAD compares: South Asian, 0.022%; no homozygotes.

Submissions (4):

Labcorp Genetics (formerly Invitae), Labcorp
Classification: Likely benign for Marfan syndrome; Familial thoracic aortic aneurysm and aortic dissection. Last evaluated: 2025-12-11. Review status: criteria provided, single submitter. Criteria: Invitae Variant Classification Sherloc (09022015). Collection method: clinical testing. Allele origin: germline.

Blueprint Genetics
Classification: Likely benign. Last evaluated: 2024-08-08. Review status: criteria provided, single submitter. Criteria: ACMG Guidelines, 2015. Collection method: clinical testing. Allele origin: germline.

All of Us Research Program, National Institutes of Health
Classification: Likely benign for Marfan syndrome. Last evaluated: 2023-11-20. Review status: criteria provided, single submitter. Criteria: ACMG Guidelines, 2015. Collection method: clinical testing. Allele origin: germline. Inheritance: Autosomal dominant inheritance. Observed: 2 variant alleles, 2 heterozygotes.
Comment: This study involves interpretation of variants in research participants for the purpose of population health screening. Participant phenotype was not available at the time of variant classification. Additional details can be found in publication PMID: 35346344, PMCID: PMC8962531

Color Diagnostics, LLC DBA Color Health
Classification: Likely benign for Familial thoracic aortic aneurysm and aortic dissection. Last evaluated: 2018-09-29. Review status: criteria provided, single submitter. Criteria: ACMG Guidelines, 2015. Collection method: clinical testing. Allele origin: germline.